The following is an entry in ClinVar:

NM_018389.5(SLC35C1):c.640A>G (p.Ile214Val)

Gene: SLC35C1 (solute carrier family 35 member C1; plus strand). Cytogenetic location: 11p11.2.
Variant type: single nucleotide variant.
Coding change: c.640A>G on transcript NM_018389.5 (MANE Select); coding-DNA position 640, A replaced by G.
Protein change: p.Ile214Val; replaces isoleucine 214 with valine.
Molecular consequence: missense variant.
Genome position (GRCh38, 1-based): chr11:45,810,880, A>G. VCF-style: chr11-45810880-A-G. GRCh37 (hg19) VCF-style: chr11-45832431-A-G.
Other names: c.601A>G, p.Ile201Val (NM_001145266.2, NM_001145265.2); short protein forms I201V, I214V.
Identifiers: ClinVar variation 1475316 (VCV001475316.4), dbSNP rs2134597431, ClinGen allele CA380205631.

ClinVar aggregate classification (germline): Uncertain significance (1 of 4 stars; one submission).

Conditions:
Leukocyte adhesion deficiency type II. Also called: CONGENITAL DISORDER OF GLYCOSYLATION, TYPE IIc; Congenital disorder of glycosylation type 2C; CDG 2C; Leukocyte adhesion deficiency type 2; Rambam Hasharon syndrome; CDG IIc. Identifiers: Orphanet 2968, Orphanet 99843, MedGen C0398739, MONDO:0009953, OMIM 266265.

Submission:

Labcorp Genetics (formerly Invitae), Labcorp
Classification: Uncertain significance for Leukocyte adhesion deficiency type II. Last evaluated: 2021-09-01. Review status: criteria provided, single submitter. Criteria: Invitae Variant Classification Sherloc (09022015). Collection method: clinical testing. Allele origin: germline.
Comment: This sequence change replaces isoleucine with valine at codon 214 of the SLC35C1 protein (p.Ile214Val). The isoleucine residue is highly conserved and there is a small physicochemical difference between isoleucine and valine. This variant is not present in population databases (ExAC no frequency). This variant has not been reported in the literature in individuals affected with SLC35C1-related conditions. Algorithms developed to predict the effect of missense changes on protein structure and function are either unavailable or do not agree on the potential impact of this missense change (SIFT: "Tolerated"; PolyPhen-2: "Possibly Damaging"; Align-GVGD: "Class C15"). In summary, the available evidence is currently insufficient to determine the role of this variant in disease. Therefore, it has been classified as a Variant of Uncertain Significance.